The following is an entry in ClinVar:

NM_001282225.2(ADA2):c.672C>A (p.Phe224Leu)

Gene: ADA2 (adenosine deaminase 2; minus strand). Cytogenetic location: 22q11.1.
Variant type: single nucleotide variant.
Coding change: c.672C>A on transcript NM_001282225.2 (MANE Select); coding-DNA position 672, C replaced by A.
Protein change: p.Phe224Leu; replaces phenylalanine 224 with leucine.
Molecular consequence: missense variant.
Genome position (GRCh38, 1-based): chr22:17,203,644, G>T on the plus strand (C>A on the coding strand, the complement: ADA2 is on the minus strand). VCF-style: chr22-17203644-G-T. GRCh37 (hg19) VCF-style: chr22-17684534-G-T.
Other names: c.672C>A, p.Phe224Leu (NM_001282226.2); c.546C>A, p.Phe182Leu (NM_001282227.2, NM_001282228.2); c.312C>A, p.Phe104Leu (NM_001282229.2); short protein forms F104L, F182L, F224L.
Identifiers: ClinVar variation 1041364 (VCV001041364.12), dbSNP rs2062317999, ClinGen allele CA410228227.

ClinVar aggregate classification (germline): Uncertain significance (1 of 4 stars; one submission).

Conditions:
Deficiency of adenosine deaminase 2. Also called: Polyarteritis nodosa, childhoood-onset; Adenosine Deaminase 2 Deficiency; VASCULITIS, AUTOINFLAMMATION, IMMUNODEFICIENCY, AND HEMATOLOGIC DEFECTS SYNDROME. Identifiers: Orphanet 404553, MedGen C3887654, MONDO:0014306, OMIM 615688, MONDO:0100317.

Submission:

Labcorp Genetics (formerly Invitae), Labcorp
Classification: Uncertain significance for Deficiency of adenosine deaminase 2. Last evaluated: 2022-03-19. Review status: criteria provided, single submitter. Criteria: Invitae Variant Classification Sherloc (09022015). Collection method: clinical testing. Allele origin: germline.
Comment: In summary, the available evidence is currently insufficient to determine the role of this variant in disease. Therefore, it has been classified as a Variant of Uncertain Significance. Algorithms developed to predict the effect of missense changes on protein structure and function (SIFT, PolyPhen-2, Align-GVGD) all suggest that this variant is likely to be tolerated. This sequence change replaces phenylalanine, which is neutral and non-polar, with leucine, which is neutral and non-polar, at codon 224 of the ADA2 protein (p.Phe224Leu). This variant is not present in population databases (gnomAD no frequency). This variant has not been reported in the literature in individuals affected with ADA2-related conditions. ClinVar contains an entry for this variant (Variation ID: 1041364).